The following is an entry in ClinVar:

NM_001384140.1(PCDH15):c.3012G>C (p.Leu1004Phe)

Gene: PCDH15 (protocadherin related 15; minus strand). Cytogenetic location: 10q21.1.
Variant type: single nucleotide variant.
Coding change: c.3012G>C on transcript NM_001384140.1 (MANE Select); coding-DNA position 3012, G replaced by C.
Protein change: p.Leu1004Phe; replaces leucine 1004 with phenylalanine.
Molecular consequence: missense variant.
Genome position (GRCh38, 1-based): chr10:53,959,842, C>G on the plus strand (G>C on the coding strand, the complement: PCDH15 is on the minus strand). VCF-style: chr10-53959842-C-G. GRCh37 (hg19) VCF-style: chr10-55719602-C-G.
Other names: c.3027G>C, p.Leu1009Phe (NM_001142763.2, NM_001142771.2); c.3012G>C, p.Leu1004Phe (NM_001142764.2, NM_001142766.2, NM_001142770.3 and 4 more transcripts); c.2799G>C, p.Leu933Phe (NM_001142765.2); c.2901G>C, p.Leu967Phe (NM_001142767.2); c.2946G>C, p.Leu982Phe (NM_001142768.2, NM_001142773.2, NM_001354404.2); c.3048G>C, p.Leu1016Phe (NM_001142769.4); c.3033G>C, p.Leu1011Phe (NM_001354411.2); short protein forms L1004F, L1009F, L1011F, L1016F, L933F, L967F, L982F.
Identifiers: ClinVar variation 2572695 (VCV002572695.1), dbSNP rs2088092428, ClinGen allele CA376521166.

ClinVar aggregate classification (germline): Uncertain significance (1 of 4 stars; one submission).

Submission:

GeneDx
Classification: Uncertain significance. Last evaluated: 2023-01-12. Review status: criteria provided, single submitter. Criteria: GeneDx Variant Classification Process June 2021. Collection method: clinical testing. Allele origin: germline. Affected: yes.
Comment: Not observed at significant frequency in large population cohorts (gnomAD); In silico analysis supports that this missense variant has a deleterious effect on protein structure/function; Has not been previously published as pathogenic or benign to our knowledge